The following is an entry in ClinVar:

ClinVar aggregate classification (germline): Uncertain significance (1 of 4 stars; one submission).

Conditions:
Gorlin syndrome. Also called: Nevoid Basal Cell Carcinoma Syndrome; Basal cell nevus syndrome. Identifiers: Orphanet 377, MedGen C0004779, MONDO:0007187.

Submission:

Labcorp Genetics (formerly Invitae), Labcorp
Classification: Uncertain significance for Gorlin syndrome. Last evaluated: 2025-08-26. Review status: criteria provided, single submitter. Criteria: Invitae Variant Classification Sherloc (09022015). Collection method: clinical testing. Allele origin: germline.
Comment: This sequence change replaces tryptophan, which is neutral and slightly polar, with cysteine, which is neutral and slightly polar, at codon 1027 of the PTCH1 protein (p.Trp1027Cys). This variant is not present in population databases (gnomAD no frequency). This variant has not been reported in the literature in individuals affected with PTCH1-related conditions. Invitae Evidence Modeling of protein sequence and biophysical properties (such as structural, functional, and spatial information, amino acid conservation, physicochemical variation, residue mobility, and thermodynamic stability) indicates that this missense variant is not expected to disrupt PTCH1 protein function with a negative predictive value of 95%. In summary, the available evidence is currently insufficient to determine the role of this variant in disease. Therefore, it has been classified as a Variant of Uncertain Significance.

NM_000264.5(PTCH1):c.3081G>C (p.Trp1027Cys)

Gene: PTCH1 (patched 1; minus strand). Cytogenetic location: 9q22.32.
Variant type: single nucleotide variant.
Coding change: c.3081G>C on transcript NM_000264.5 (MANE Select); coding-DNA position 3081, G replaced by C.
Protein change: p.Trp1027Cys; replaces tryptophan 1027 with cysteine.
Molecular consequence: missense variant. On other transcripts: non-coding transcript variant (1).
Genome position (GRCh38, 1-based): chr9:95,458,100, C>G on the plus strand (G>C on the coding strand, the complement: PTCH1 is on the minus strand). VCF-style: chr9-95458100-C-G. GRCh37 (hg19) VCF-style: chr9-98220382-C-G.
Other names: c.2883G>C, p.Trp961Cys (NM_001083602.3); c.3078G>C, p.Trp1026Cys (NM_001083603.3); c.2628G>C, p.Trp876Cys (NM_001083604.3, NM_001083605.3, NM_001083606.3 and 1 more transcripts); c.2925G>C, p.Trp975Cys (NM_001354918.2); short protein forms W1026C, W1027C, W876C, W961C, W975C.
Identifiers: ClinVar variation 4801796 (VCV004801796.1).